The following is an entry in ClinVar:

NM_052947.4(ALPK2):c.3101G>T (p.Gly1034Val)

Gene: ALPK2 (alpha kinase 2; minus strand). Cytogenetic location: 18q21.31.
Variant type: single nucleotide variant.
Coding change: c.3101G>T on transcript NM_052947.4 (MANE Select); coding-DNA position 3101, G replaced by T.
Protein change: p.Gly1034Val; replaces glycine 1034 with valine.
Molecular consequence: missense variant.
Genome position (GRCh38, 1-based): chr18:58,537,086, C>A on the plus strand (G>T on the coding strand, the complement: ALPK2 is on the minus strand). VCF-style: chr18-58537086-C-A. GRCh37 (hg19) VCF-style: chr18-56204318-C-A.
Other names: short protein forms G1034V.
Identifiers: ClinVar variation 3228671 (VCV003228671.1), dbSNP rs2518876893, ClinGen allele CA402569100.

ClinVar aggregate classification (germline): Uncertain significance (1 of 4 stars; one submission).

Submission:

Ambry Genetics
Classification: Uncertain significance. Last evaluated: 2024-01-19. Review status: criteria provided, single submitter. Criteria: Ambry Variant Classification Scheme 2023. Collection method: clinical testing. Allele origin: germline.
Comment: The p.G1034V variant (also known as c.3101G>T), located in coding exon 4 of the ALPK2 gene, results from a G to T substitution at nucleotide position 3101. The glycine at codon 1034 is replaced by valine, an amino acid with dissimilar properties. This amino acid position is conserved. In addition, this alteration is predicted to be tolerated by in silico analysis. Based on the available evidence, the clinical significance of this alteration remains unclear.